The following is an entry in ClinVar:

NM_030665.4(RAI1):c.1658T>C (p.Val553Ala)

Gene: RAI1 (retinoic acid induced 1; plus strand). Cytogenetic location: 17p11.2.
Variant type: single nucleotide variant.
Coding change: c.1658T>C on transcript NM_030665.4 (MANE Select); coding-DNA position 1658, T replaced by C.
Protein change: p.Val553Ala; replaces valine 553 with alanine.
Molecular consequence: missense variant.
Genome position (GRCh38, 1-based): chr17:17,794,606, T>C. VCF-style: chr17-17794606-T-C. GRCh37 (hg19) VCF-style: chr17-17697920-T-C.
Other names: short protein forms V553A.
Identifiers: ClinVar variation 1804900 (VCV001804900.2), dbSNP rs2508577176, ClinGen allele CA398548915.
Genomic context (GRCh38, chr17:17,794,606, plus strand): 5'-ACCAGGCCCGTGGCAGCCCTGCCAGGGTCAACAGCAACTCGAAGGCCAAGCCCGAGTCCG[T>C]GTCCACCTGTTCTGTGACCTCTCCTGACGACATGTCCACCAAATCTGACGACTCCTTCCA-3'
Protein context (NP_109590.3, residues 543-563): NSNSKAKPES[Val553Ala]STCSVTSPDD

ClinVar aggregate classification (germline): Uncertain significance. Review status: criteria provided, multiple submitters, no conflicts (2 of 4 stars). 2 submissions from 2 submitters: Uncertain significance (2). Last evaluated 2025-02-25.

Conditions:
Smith-Magenis syndrome (SMS). Also called: CHROMOSOME 17p11.2 DELETION SYNDROME. Identifiers: Orphanet 819, MedGen C0795864, MONDO:0008434, OMIM 182290.

Submissions (2):

Women's Health and Genetics/Laboratory Corporation of America, LabCorp
Classification: Uncertain significance. Last evaluated: 2025-02-25. Review status: criteria provided, single submitter. Criteria: LabCorp Variant Classification Summary - May 2015. Collection method: clinical testing. Allele origin: germline.
Comment: Variant summary: RAI1 c.1658T>C (p.Val553Ala) results in a non-conservative amino acid change in the encoded protein sequence. Three of five in-silico tools predict a damaging effect of the variant on protein function. The variant was absent in 250214 control chromosomes. The available data on variant occurrences in the general population are insufficient to allow any conclusion about variant significance. To our knowledge, no occurrence of c.1658T>C in individuals affected with Smith-Magenis Syndrome and no experimental evidence demonstrating its impact on protein function have been reported. ClinVar contains an entry for this variant (Variation ID: 1804900). Based on the evidence outlined above, the variant was classified as uncertain significance.

Victorian Clinical Genetics Services, Murdoch Childrens Research Institute
Classification: Uncertain significance for Smith-Magenis syndrome. Last evaluated: 2020-10-19. Review status: criteria provided, single submitter. Criteria: ACMG Guidelines, 2015. Collection method: clinical testing. Allele origin: germline. Inheritance: Autosomal dominant inheritance. Affected: yes.
Comment: Based on the classification scheme VCGS_Germline_v1.3.3, this variant is classified as 3B-VUS. Following criteria are met: 0102 - Loss of function is a known mechanism of disease in this gene and is associated with Smith-Magenis syndrome (MIM#182290). (I) 0107 - This gene is associated with autosomal dominant disease. (I) 0200 - Variant is predicted to result in a missense amino acid change from valine to alanine. (I) 0251 - This variant is heterozygous. (I) 0301 - Variant is absent from gnomAD (both v2 and v3). (SP) 0309 - An alternative amino acid change at the same position has been observed in gnomAD (v2) (15 heterozygotes, 0 homozygotes). (I) 0502 - Missense variant with conflicting in silico predictions and uninformative conservation. (I) 0604 - Variant is not located in an established domain, motif, hotspot or informative constraint region. (I) 0705 - No comparable missense variants have previous evidence for pathogenicity. (I) 0807 - This variant has no previous evidence of pathogenicity. (I) 0905 - No published segregation evidence has been identified for this variant. (I) 1007 - No published functional evidence has been identified for this variant. (I) 1208 - Inheritance information for this variant is not currently available in this individual. (I) Legend: (SP) - Supporting pathogenic, (I) - Information, (SB) - Supporting benign